The following is an entry in ClinVar:

NM_024675.4(PALB2):c.1740T>G (p.Tyr580Ter)

Gene: PALB2 (partner and localizer of BRCA2; minus strand). Cytogenetic location: 16p12.2.
Variant type: single nucleotide variant.
Coding change: c.1740T>G on transcript NM_024675.4 (MANE Select); coding-DNA position 1740, T replaced by G.
Protein change: p.Tyr580Ter; replaces tyrosine 580 with a stop codon.
Molecular consequence: nonsense. On other transcripts: 5 prime UTR variant (2), intron variant (1).
Genome position (GRCh38, 1-based): chr16:23,630,414, A>C on the plus strand (T>G on the coding strand, the complement: PALB2 is on the minus strand). VCF-style: chr16-23630414-A-C. GRCh37 (hg19) VCF-style: chr16-23641735-A-C.
Other names: c.1680T>G, p.Tyr560Ter (NM_001407296.1); c.1740T>G, p.Tyr580Ter (NM_001407297.1, NM_001407298.1, NM_001407299.1 and 3 more transcripts); c.855T>G, p.Tyr285Ter (NM_001407304.1, NM_001407305.1, NM_001407306.1 and 5 more transcripts); c.-49T>G (NM_001407312.1, NM_001407313.1); c.49-1139T>G (NM_001407314.1); short protein forms Y285*, Y560*, Y580*.
Identifiers: ClinVar variation 2587420 (VCV002587420.3), dbSNP rs2142390387, ClinGen allele CA395128296.

ClinVar aggregate classification (germline): Pathogenic. Review status: criteria provided, multiple submitters, no conflicts (2 of 4 stars). 2 submissions from 2 submitters: Pathogenic (2). Last evaluated 2023-09-11.

Conditions:
Hereditary cancer-predisposing syndrome. Also called: Tumor predisposition; Hereditary Cancer Syndrome; Hereditary neoplastic syndrome; Neoplastic Syndromes, Hereditary. Identifiers: Orphanet 140162, MedGen C0027672, MeSH D009386, MONDO:0015356.
Familial cancer of breast. Also called: BREAST CANCER, FAMILIAL; Hereditary breast cancer; hereditary breast carcinoma. Identifiers: Orphanet 227535, MedGen C0346153, MONDO:0016419, OMIM 114480. Disease mechanism: loss of function.

Submissions (2):

Myriad Genetics, Inc.
Classification: Pathogenic for Familial cancer of breast. Last evaluated: 2023-09-11. Review status: criteria provided, single submitter. Criteria: Myriad Autosomal Dominant, Autosomal Recessive and X-Linked Classification Criteria (2023). Collection method: clinical testing. Allele origin: unknown.
Comment: This variant is considered pathogenic. This variant creates a termination codon and is predicted to result in premature protein truncation.

Ambry Genetics
Classification: Pathogenic for Hereditary cancer-predisposing syndrome. Last evaluated: 2023-09-07. Review status: criteria provided, single submitter. Criteria: Ambry Variant Classification Scheme 2023. Collection method: clinical testing. Allele origin: germline.
Comment: The p.Y580* pathogenic mutation (also known as c.1740T>G), located in coding exon 5 of the PALB2 gene, results from a T to G substitution at nucleotide position 1740. This changes the amino acid from a tyrosine to a stop codon within coding exon 5. This variant is considered to be rare based on population cohorts in the Genome Aggregation Database (gnomAD). This alteration is expected to result in loss of function by premature protein truncation or nonsense-mediated mRNA decay. As such, this alteration is interpreted as a disease-causing mutation.